The following is an entry in ClinVar:

ClinVar aggregate classification (germline): Uncertain significance. Review status: criteria provided, multiple submitters, no conflicts (2 of 4 stars). 2 submissions from 2 submitters: Uncertain significance (2). Last evaluated 2025-08-03.

Conditions:
Inborn genetic diseases. Identifiers: MedGen C0950123, MeSH D030342.

Allele frequency attached by ClinVar (database versions not stated): TOPMed below 0.00001; gnomAD 0.00001; gnomAD exomes 0.00003.
gnomAD v4.1: 43 of 1,614,110 alleles (0.0027%); highest among the groups gnomAD compares: Non-Finnish European, 0.0036%; no homozygotes.

Submissions (2):

Ambry Genetics
Classification: Uncertain significance for Inborn genetic diseases. Last evaluated: 2025-08-03. Review status: criteria provided, single submitter. Criteria: Ambry Variant Classification Scheme 2023. Collection method: clinical testing. Allele origin: germline.

Labcorp Genetics (formerly Invitae), Labcorp
Classification: Uncertain significance. Last evaluated: 2024-02-28. Review status: criteria provided, single submitter. Criteria: Invitae Variant Classification Sherloc (09022015). Collection method: clinical testing. Allele origin: germline.
Comment: This sequence change replaces valine, which is neutral and non-polar, with alanine, which is neutral and non-polar, at codon 312 of the KRT10 protein (p.Val312Ala). This variant is present in population databases (rs778720995, gnomAD 0.0009%). This variant has not been reported in the literature in individuals affected with KRT10-related conditions. Advanced modeling of protein sequence and biophysical properties (such as structural, functional, and spatial information, amino acid conservation, physicochemical variation, residue mobility, and thermodynamic stability) performed at Invitae indicates that this missense variant is not expected to disrupt KRT10 protein function with a negative predictive value of 80%. In summary, the available evidence is currently insufficient to determine the role of this variant in disease. Therefore, it has been classified as a Variant of Uncertain Significance.

NM_000421.5(KRT10):c.935T>C (p.Val312Ala)

Genes: KRT10 (keratin 10; minus strand), KRT10-AS1 (KRT10 antisense RNA 1; plus strand), LOC126862559 (BRD4-independent group 4 enhancer GRCh37_chr17:38975907-38977106; plus strand). Cytogenetic location: 17q21.2.
Variant type: single nucleotide variant.
Coding change: c.935T>C on transcript NM_000421.5 (MANE Select); coding-DNA position 935, T replaced by C.
Protein change: p.Val312Ala; replaces valine 312 with alanine.
Molecular consequence: missense variant.
Genome position (GRCh38, 1-based): chr17:40,820,356, A>G on the plus strand (T>C on the coding strand, the complement: KRT10 is on the minus strand). VCF-style: chr17-40820356-A-G. GRCh37 (hg19) VCF-style: chr17-38976608-A-G.
Other names: c.935T>C, p.Val312Ala (NM_001379366.1); c.935T>C (NM_000421.3); short protein forms V312A.
Identifiers: ClinVar variation 2909679 (VCV002909679.4), dbSNP rs778720995, ClinGen allele CA290585101.
Genomic context (GRCh38, chr17:40,820,356, plus strand): 5'-TTTTGTTCAGCAAGTTGTTCATATTGGCTTCTCATGTTATTCAGAAGTTGAGTCAGATCA[A>G]CACCCGGGGCAGCATTCATTTCCACATTCACATCACCAGTGGACACATTTCGAAGGTCTT-3'
Protein context (NP_000412.4, residues 302-322): VNVEMNAAPG[Val312Ala]DLTQLLNNMR